The following is an entry in ClinVar:

NM_000539.3(RHO):c.937-2A>T

Gene: RHO (rhodopsin; plus strand). Cytogenetic location: 3q22.1.
Variant type: single nucleotide variant.
Coding change: c.937-2A>T on transcript NM_000539.3 (MANE Select); the canonical splice acceptor site of the intron before coding-DNA position 937, A replaced by T.
Molecular consequence: splice acceptor variant.
Genome position (GRCh38, 1-based): chr3:129,533,606, A>T. VCF-style: chr3-129533606-A-T. GRCh37 (hg19) VCF-style: chr3-129252449-A-T.
Identifiers: ClinVar variation 802007 (VCV000802007.17), dbSNP rs1578281565, ClinGen allele CA354471062.

ClinVar aggregate classification (germline): Pathogenic/Likely pathogenic. Review status: criteria provided, multiple submitters, no conflicts (2 of 4 stars). 3 submissions from 3 submitters: Pathogenic (1); Likely pathogenic (1). 1 of the submissions does not count toward it. Last evaluated 2024-08-01.

Conditions:
Retinitis pigmentosa 4 (RP4). Also called: RETINITIS PIGMENTOSA, RHODOPSIN-RELATED. Identifiers: Orphanet 791, MedGen C3151001, MONDO:0013395, OMIM 613731.
Retinal dystrophy. Also called: Inherited retinal dystrophy. Identifiers: Orphanet 71862, MedGen C0854723, MeSH D058499, MONDO:0019118, HP:0000556.

Submissions (3):

CeGaT Center for Human Genetics Tuebingen
Classification: Likely pathogenic. Last evaluated: 2024-08-01. Review status: criteria provided, single submitter. Criteria: CeGaT Center For Human Genetics Tuebingen Variant Classification Criteria Version 2. Collection method: clinical testing. Allele origin: germline. Affected: yes. Observed: 2 variant alleles.
Comment: RHO: PVS1:Strong, PM2, PS1:Supporting

Mendelics
Classification: Pathogenic for Retinitis pigmentosa 4. Last evaluated: 2019-05-28. Review status: criteria provided, single submitter. Criteria: Mendelics Assertion Criteria 2017. Collection method: clinical testing. Allele origin: unknown.

Institute of Human Genetics, Univ. Regensburg, Univ. Regensburg
Classification: Likely pathogenic for Retinal dystrophy. Last evaluated: 2022-01-01. Review status: no assertion criteria provided. Criteria: ACMG Guidelines, 2015. Collection method: clinical testing. Allele origin: germline. Affected: yes. Not counted in ClinVar's aggregate classification.